The following is an entry in ClinVar:

NM_002181.4(IHH):c.946C>T (p.Arg316Cys)

Gene: IHH (Indian hedgehog signaling molecule; minus strand). Cytogenetic location: 2q35.
Variant type: single nucleotide variant.
Coding change: c.946C>T on transcript NM_002181.4 (MANE Select); coding-DNA position 946, C replaced by T.
Protein change: p.Arg316Cys; replaces arginine 316 with cysteine.
Molecular consequence: missense variant.
Genome position (GRCh38, 1-based): chr2:219,055,497, G>A on the plus strand (C>T on the coding strand, the complement: IHH is on the minus strand). VCF-style: chr2-219055497-G-A. GRCh37 (hg19) VCF-style: chr2-219920219-G-A.
Other names: short protein forms R316C.
Identifiers: ClinVar variation 1437971 (VCV001437971.6), dbSNP rs771622789, ClinGen allele CA2116563.

ClinVar aggregate classification (germline): Uncertain significance (1 of 4 stars; one submission).

Allele frequency attached by ClinVar (database versions not stated): gnomAD 0.00002; gnomAD exomes 0.00002 and 0.00006; ExAC 0.00003.

Submission:

Labcorp Genetics (formerly Invitae), Labcorp
Classification: Uncertain significance. Last evaluated: 2025-01-08. Review status: criteria provided, single submitter. Criteria: Invitae Variant Classification Sherloc (09022015). Collection method: clinical testing. Allele origin: germline.
Comment: This sequence change replaces arginine, which is basic and polar, with cysteine, which is neutral and slightly polar, at codon 316 of the IHH protein (p.Arg316Cys). This variant is present in population databases (rs771622789, gnomAD 0.007%). This variant has not been reported in the literature in individuals affected with IHH-related conditions. ClinVar contains an entry for this variant (Variation ID: 1437971). Invitae Evidence Modeling of protein sequence and biophysical properties (such as structural, functional, and spatial information, amino acid conservation, physicochemical variation, residue mobility, and thermodynamic stability) indicates that this missense variant is expected to disrupt IHH protein function with a positive predictive value of 80%. In summary, the available evidence is currently insufficient to determine the role of this variant in disease. Therefore, it has been classified as a Variant of Uncertain Significance.